The following is an entry in ClinVar:

ClinVar aggregate classification (germline): Uncertain significance (1 of 4 stars; one submission).

Conditions:
Hereditary cancer-predisposing syndrome. Also called: Tumor predisposition; Hereditary Cancer Syndrome; Hereditary neoplastic syndrome; Neoplastic Syndromes, Hereditary. Identifiers: Orphanet 140162, MedGen C0027672, MeSH D009386, MONDO:0015356.

Submission:

Ambry Genetics
Classification: Uncertain significance for Hereditary cancer-predisposing syndrome. Last evaluated: 2024-03-24. Review status: criteria provided, single submitter. Criteria: Ambry Variant Classification Scheme 2023. Collection method: clinical testing. Allele origin: germline.
Comment: The p.D124N variant (also known as c.370G>A), located in coding exon 2 of the PHOX2B gene, results from a G to A substitution at nucleotide position 370. The aspartic acid at codon 124 is replaced by asparagine, an amino acid with highly similar properties. This amino acid position is conserved. In addition, the in silico prediction for this alteration is inconclusive. Based on the available evidence, the clinical significance of this alteration remains unclear.

NM_003924.4(PHOX2B):c.370G>A (p.Asp124Asn)

Gene: PHOX2B (paired like homeobox 2B; minus strand). Cytogenetic location: 4p13.
Variant type: single nucleotide variant.
Coding change: c.370G>A on transcript NM_003924.4 (MANE Select); coding-DNA position 370, G replaced by A.
Protein change: p.Asp124Asn; replaces aspartic acid 124 with asparagine.
Molecular consequence: missense variant.
Genome position (GRCh38, 1-based): chr4:41,747,408, C>T on the plus strand (G>A on the coding strand, the complement: PHOX2B is on the minus strand). VCF-style: chr4-41747408-C-T. GRCh37 (hg19) VCF-style: chr4-41749425-C-T.
Other names: short protein forms D124N.
Identifiers: ClinVar variation 3306270 (VCV003306270.1).
Genomic context (GRCh38, chr4:41,747,408, plus strand): 5'-CCTGGACTCGCGCCTCTGTGAGGTCGATCTTCAGGGCCAGCTCCTCCCGAGTGTAGATGT[C>T]GGGGTAGTGAGTCTCCGCGAAGACCCTTTCCAGCTCTTTGAGCTGGGCACTGGTGAAAGT-3'
Protein context (NP_003915.2, residues 114-134): ERVFAETHYP[Asp124Asn]IYTREELALK